The following is an entry in ClinVar:

ClinVar aggregate classification (germline): Uncertain significance (1 of 4 stars; one submission).

Conditions:
Cardiovascular phenotype. Identifiers: MedGen CN230736.

gnomAD v4.1: 1 of 1,614,152 alleles (0.000062%); highest among the groups gnomAD compares: Non-Finnish European, 0.000085%; no homozygotes.

Submission:

Ambry Genetics
Classification: Uncertain significance for Cardiovascular phenotype. Last evaluated: 2025-01-13. Review status: criteria provided, single submitter. Criteria: Ambry Variant Classification Scheme 2023. Collection method: clinical testing. Allele origin: germline.
Comment: The p.T1177I variant (also known as c.3530C>T), located in coding exon 23 of the ABCA1 gene, results from a C to T substitution at nucleotide position 3530. The threonine at codon 1177 is replaced by isoleucine, an amino acid with similar properties. This amino acid position is highly conserved in available vertebrate species. In addition, the in silico prediction for this alteration is inconclusive. Based on the available evidence, the clinical significance of this variant remains unclear.

NM_005502.4(ABCA1):c.3530C>T (p.Thr1177Ile)

Gene: ABCA1 (ATP binding cassette subfamily A member 1; minus strand). Cytogenetic location: 9q31.1.
Variant type: single nucleotide variant.
Coding change: c.3530C>T on transcript NM_005502.4 (MANE Select); coding-DNA position 3530, C replaced by T.
Protein change: p.Thr1177Ile; replaces threonine 1177 with isoleucine.
Molecular consequence: missense variant.
Genome position (GRCh38, 1-based): chr9:104,817,337, G>A on the plus strand (C>T on the coding strand, the complement: ABCA1 is on the minus strand). VCF-style: chr9-104817337-G-A. GRCh37 (hg19) VCF-style: chr9-107579618-G-A.
Other names: short protein forms T1177I.
Identifiers: ClinVar variation 3831842 (VCV003831842.1).
Genomic context (GRCh38, chr9:104,817,337, plus strand): 5'-GCCCAGCTGGGGGAAGCTCAGGCACCACCTGAATAAGAAACCCCAGAGTCCTTACCGATG[G>A]TCAGCGTGTCACTCTCATGGTCGCTGCCCAGGCCAGCATCAGAACTGCTCTGAGAAACAC-3'
Protein context (NP_005493.2, residues 1167-1187): LGSDHESDTL[Thr1177Ile]IDVSAISNLI